The following is an entry in ClinVar:

NM_033028.5(BBS4):c.110G>A (p.Trp37Ter)

Gene: BBS4 (Bardet-Biedl syndrome 4; plus strand). Cytogenetic location: 15q24.1.
Variant type: single nucleotide variant.
Coding change: c.110G>A on transcript NM_033028.5 (MANE Select); coding-DNA position 110, G replaced by A.
Protein change: p.Trp37Ter; replaces tryptophan 37 with a stop codon.
Molecular consequence: nonsense. On other transcripts: 5 prime UTR variant (1), non-coding transcript variant (2).
Genome position (GRCh38, 1-based): chr15:72,709,733, G>A. VCF-style: chr15-72709733-G-A. GRCh37 (hg19) VCF-style: chr15-73002074-G-A.
Other names: c.-412G>A (NM_001252678.2); c.110G>A, p.Trp37Ter (NM_001320665.2); short protein forms W37*.
Identifiers: ClinVar variation 3033438 (VCV003033438.2), dbSNP rs370049399, ClinGen allele CA272633130.

ClinVar aggregate classification (germline): Likely pathogenic (0 of 4 stars; one submission).

Conditions:
BBS4-related disorder. Also called: BBS4-related condition.

Allele frequency attached by ClinVar (database versions not stated): TOPMed below 0.00001; gnomAD 0.00001; ESP Exome Variant Server 0.00008.
gnomAD v4.1: 3 of 1,613,578 alleles (0.00019%); highest among the groups gnomAD compares: Non-Finnish European, 0.00017%; no homozygotes.

Submission:

PreventionGenetics, part of Exact Sciences
Classification: Likely pathogenic for BBS4-related condition. Last evaluated: 2023-11-16. Review status: no assertion criteria provided. Collection method: clinical testing. Allele origin: germline.
Comment: The BBS4 c.110G>A variant is predicted to result in premature protein termination (p.Trp37*). To our knowledge, this variant has not been reported in the literature or in a large population database, indicating this variant is rare. Nonsense variants in BBS4 are expected to be pathogenic. This variant is interpreted as likely pathogenic.